The following is an entry in ClinVar:

NM_000135.4(FANCA):c.3146_3147del (p.Leu1048_Phe1049insTer)

Gene: FANCA (FA complementation group A; minus strand). Cytogenetic location: 16q24.3.
Variant type: Deletion.
Coding change: c.3146_3147del on transcript NM_000135.4 (MANE Select); coding-DNA positions 3146 to 3147, 2 bases deleted (TT; older notation c.3146_3147delTT).
Protein change: p.Leu1048_Phe1049insTer.
Molecular consequence: nonsense.
Genome position (GRCh38, 1-based): chr16:89,749,822-89,749,823, AA deleted on the plus strand (TT on the coding strand, the reverse complement: FANCA is on the minus strand); deleting any 2 consecutive bases within chr16:89,749,822-89,749,824 gives the same sequence; the c. name uses the placement nearest the transcript's 3' end. VCF-style (leftmost placement, unchanged base first): chr16-89749821-CAA-C. GRCh37 (hg19) VCF-style: chr16-89816229-CAA-C.
Other names: c.3146_3147del, p.Leu1048_Phe1049insTer (NM_001286167.3).
Identifiers: ClinVar variation 1338565 (VCV001338565.10), dbSNP rs2143139166, ClinGen allele CA2573054311.

ClinVar aggregate classification (germline): Pathogenic/Likely pathogenic. Review status: criteria provided, multiple submitters, no conflicts (2 of 4 stars). 3 submissions from 3 submitters: Pathogenic (2); Likely pathogenic (1). Last evaluated 2023-10-16.

Conditions:
Fanconi anemia (FA). Also called: Fanconi's anemia. Identifiers: Orphanet 84, MedGen C0015625, MeSH D005199, MONDO:0019391.
Fanconi anemia complementation group A (FANCA). Also called: Fanconi anemia, group A; FANCA-Related Fanconi Anemia. Identifiers: Orphanet 84, MedGen C3469521, MONDO:0009215, OMIM 227650.

Submissions (3):

Baylor Genetics
Classification: Likely pathogenic for Fanconi anemia complementation group A. Last evaluated: 2023-10-16. Review status: criteria provided, single submitter. Criteria: ACMG Guidelines, 2015. Collection method: clinical testing. Allele origin: unknown.

Labcorp Genetics (formerly Invitae), Labcorp
Classification: Pathogenic for Fanconi anemia. Last evaluated: 2022-01-19. Review status: criteria provided, single submitter. Criteria: Invitae Variant Classification Sherloc (09022015). Collection method: clinical testing. Allele origin: germline.
Comment: For these reasons, this variant has been classified as Pathogenic. This variant has not been reported in the literature in individuals affected with FANCA-related conditions. This variant is not present in population databases (gnomAD no frequency). This sequence change creates a premature translational stop signal (p.Phe1049*) in the FANCA gene. It is expected to result in an absent or disrupted protein product. Loss-of-function variants in FANCA are known to be pathogenic (PMID: 19367192).

Genetic Services Laboratory, University of Chicago
Classification: Pathogenic. Last evaluated: 2020-02-14. Review status: criteria provided, single submitter. Criteria: ACMG Guidelines, 2015. Collection method: clinical testing. Allele origin: germline. Affected: yes.
Comment: The sequence change is a 2 base pair deletion in exon 32, c.3146_3147del. This frameshift deletion is predicted to result in a premature stop codon at amino acid position 1049, p.Phe1049*. This sequence change is predicted to result in an abnormal transcript, which may be degraded, or may lead to the production of a truncated FANCA protein with potentially abnormal function. The p.Phe1049* change has not been described in population databases (gnomAD, ExAC). While this deletion has not previously been described in the literature, other frameshift deletions in the FANCA gene have been described in several patients with FANCA-related disorders (PMID: 29098742). These collective evidences indicate that this sequence change is pathogenic.

Literature cited by the submitters: PubMed 19367192 (cited by Labcorp Genetics (formerly Invitae), Labcorp).